The following is an entry in ClinVar:

NM_002474.3(MYH11):c.3859-158G>T

Genes: MYH11 (myosin heavy chain 11; minus strand), NDE1 (nudE neurodevelopment protein 1; plus strand). Cytogenetic location: 16p13.11.
Variant type: single nucleotide variant.
Coding change: c.3859-158G>T on transcript NM_002474.3 (MANE Select); 158 bases into the intron before coding-DNA position 3859, G replaced by T.
Molecular consequence: intron variant. On other transcripts: 3 prime UTR variant (2).
Genome position (GRCh38, 1-based): chr16:15,725,150, C>A on the plus strand (G>T on the coding strand, the complement: MYH11 is on the minus strand). VCF-style: chr16-15725150-C-A. GRCh37 (hg19) VCF-style: chr16-15819007-C-A.
Other names: c.*899C>A (NM_001143979.2, NM_017668.3); c.3859-158G>T (NM_022844.3); c.3880-158G>T (NM_001040114.2, NM_001040113.2).
Identifiers: ClinVar variation 318135 (VCV000318135.8), dbSNP rs79015533, ClinGen allele CA10637257.

ClinVar aggregate classification (germline): Conflicting classifications of pathogenicity. Review status: criteria provided, conflicting classifications (1 of 4 stars). 3 submissions from 2 submitters: Uncertain significance (1); Benign (2). Last evaluated 2019-08-18.

Conditions:
Aortic aneurysm, familial thoracic 4 (AAT4). Also called: AORTIC ANEURYSM/AORTIC DISSECTION AND PATENT DUCTUS ARTERIOSUS. Identifiers: MedGen C1851504, MONDO:0007568, OMIM 132900.
Lissencephaly 4 (LIS4). Also called: Lissencephaly 4 (with microcephaly). Identifiers: Orphanet 1083, MedGen C3151461, MONDO:0013527, OMIM 614019.

Allele frequency attached by ClinVar (database versions not stated): gnomAD 0.11091 and 0.11286; 1000 Genomes Project 0.14097.
gnomAD v4.1: 51,849 of 519,144 alleles (10%); highest among the groups gnomAD compares: African/African-American, 15%; 1,874 homozygotes.

Submissions (3):

GeneDx
Classification: Benign. Last evaluated: 2019-08-18. Review status: criteria provided, single submitter. Criteria: GeneDx Variant Classification Process June 2021. Collection method: clinical testing. Allele origin: germline. Affected: yes.

Illumina Laboratory Services, Illumina
Classification: Benign for Lissencephaly 4. Last evaluated: 2018-01-13. Review status: criteria provided, single submitter. Criteria: ICSL Variant Classification Criteria 13 December 2019. Collection method: clinical testing. Allele origin: germline.
Comment: This variant was observed in the ICSL laboratory as part of a predisposition screen in an ostensibly healthy population. It had not been previously curated by ICSL or reported in the Human Gene Mutation Database (HGMD: prior to June 1st, 2018), and was therefore a candidate for classification through an automated scoring system. Utilizing variant allele frequency, disease prevalence and penetrance estimates, and inheritance mode, an automated score was calculated to assess if this variant is too frequent to cause the disease. Based on the score and internal cut-off values, a variant classified as benign is not then subjected to further curation. The score for this variant resulted in a classification of benign for this disease.

Illumina Laboratory Services, Illumina
Classification: Uncertain significance for Aortic aneurysm, familial thoracic 4. Last evaluated: 2017-04-27. Review status: criteria provided, single submitter. Criteria: ICSL Variant Classification Criteria 13 December 2019. Collection method: clinical testing. Allele origin: germline.